The following is an entry in ClinVar:

ClinVar aggregate classification (germline): Uncertain significance (1 of 4 stars; one submission).

Submission:

Labcorp Genetics (formerly Invitae), Labcorp
Classification: Uncertain significance. Last evaluated: 2024-11-24. Review status: criteria provided, single submitter. Criteria: Invitae Variant Classification Sherloc (09022015). Collection method: clinical testing. Allele origin: germline.
Comment: This sequence change replaces methionine, which is neutral and non-polar, with lysine, which is basic and polar, at codon 296 of the GNRHR protein (p.Met296Lys). This variant is present in population databases (no rsID available, gnomAD 0.007%). This variant has not been reported in the literature in individuals affected with GNRHR-related conditions. Invitae Evidence Modeling of protein sequence and biophysical properties (such as structural, functional, and spatial information, amino acid conservation, physicochemical variation, residue mobility, and thermodynamic stability) indicates that this missense variant is not expected to disrupt GNRHR protein function with a negative predictive value of 80%. In summary, the available evidence is currently insufficient to determine the role of this variant in disease. Therefore, it has been classified as a Variant of Uncertain Significance.

NM_000406.3(GNRHR):c.887T>A (p.Met296Lys)

Gene: GNRHR (gonadotropin releasing hormone receptor; minus strand). Cytogenetic location: 4q13.2.
Variant type: single nucleotide variant.
Coding change: c.887T>A on transcript NM_000406.3 (MANE Select); coding-DNA position 887, T replaced by A.
Protein change: p.Met296Lys; replaces methionine 296 with lysine.
Molecular consequence: missense variant. On other transcripts: 3 prime UTR variant (1).
Genome position (GRCh38, 1-based): chr4:67,740,580, A>T on the plus strand (T>A on the coding strand, the complement: GNRHR is on the minus strand). VCF-style: chr4-67740580-A-T. GRCh37 (hg19) VCF-style: chr4-68606298-A-T.
Other names: c.*9T>A (NM_001012763.2); short protein forms M296K.
Identifiers: ClinVar variation 3618623 (VCV003618623.2).